The following is an entry in ClinVar:

NM_001846.4(COL4A2):c.964C>T (p.Arg322Ter)

Gene: COL4A2 (collagen type IV alpha 2 chain; plus strand). Cytogenetic location: 13q34.
Variant type: single nucleotide variant.
Coding change: c.964C>T on transcript NM_001846.4 (MANE Select); coding-DNA position 964, C replaced by T.
Protein change: p.Arg322Ter; replaces arginine 322 with a stop codon.
Molecular consequence: nonsense.
Genome position (GRCh38, 1-based): chr13:110,445,835, C>T. VCF-style: chr13-110445835-C-T. GRCh37 (hg19) VCF-style: chr13-111098182-C-T.
Other names: short protein forms R322*.
Identifiers: ClinVar variation 2665085 (VCV002665085.1), dbSNP rs1237717942, ClinGen allele CA388733197.

ClinVar aggregate classification (germline): Uncertain significance (1 of 4 stars; one submission).

Conditions:
Brain small vessel disease 2A, autosomal dominant. Also called: Porencephaly 2. Identifiers: Orphanet 2940, Orphanet 99810, MedGen C3280970, MONDO:0013773, OMIM 614483.

Allele frequency attached by ClinVar (database versions not stated): gnomAD exomes below 0.00001; gnomAD 0.00001.
gnomAD v4.1: 8 of 1,613,990 alleles (0.0005%); highest among the groups gnomAD compares: African/African-American, 0.0013%; no homozygotes.

Submission:

New York Genome Center
Classification: Uncertain significance for Brain small vessel disease 2A, autosomal dominant. Last evaluated: 2023-07-07. Review status: criteria provided, single submitter. Criteria: NYGC Assertion Criteria 2020. Collection method: clinical testing. Allele origin: germline. Observed: 1 heterozygote.
Comment: The c.964C>T p.(Arg322Ter) stop-gained variant identified in the COL4A2 gene has not been reported in the literature or ClinVar for COL4A2-related disorders. This variant has two heterozygous alleles in the gnomAD v3.1.2 and v2.1.1 databases and is absent from the TOPMed Freeze 8 database, suggesting it is not a common benign variant in the populations represented in these databases. The c.964C>T stop-gained variant located in exon 17 (of 48) of the COL4A2 gene incorporates a premature translation termination codon and is predicted to result in loss-of-function via nonsense mediated mRNA decay. However, loss-of-function is not an established mechanism of disease for COL4A2-related disorders. Based on the available evidence, the stop-gained c.964C>T p.(Arg322Ter) variant identified in the COL4A2 gene is reported as a Variant of Uncertain Significance.